The following is an entry in ClinVar:

ClinVar aggregate classification (germline): Conflicting classifications of pathogenicity. Review status: criteria provided, conflicting classifications (1 of 4 stars). 3 submissions from 3 submitters: Uncertain significance (2); Likely benign (1). Last evaluated 2023-12-19.

Conditions:
Hereditary cancer-predisposing syndrome. Also called: Hereditary neoplastic syndrome; Hereditary Cancer Syndrome; Neoplastic Syndromes, Hereditary; Tumor predisposition. Identifiers: Orphanet 140162, MedGen C0027672, MeSH D009386, MONDO:0015356.
Breast-ovarian cancer, familial, susceptibility to, 2 (BROVCA2). Also called: BRCA2 Hereditary Breast and Ovarian Cancer. Identifiers: Orphanet 145, MedGen C2675520, MONDO:0012933, OMIM 612555. Disease mechanism: loss of function.
Hereditary breast ovarian cancer syndrome. Also called: Hereditary breast and ovarian cancer syndrome; BRCA1- and BRCA2-Associated Hereditary Breast and Ovarian Cancer; Hereditary breast and/or ovarian cancer syndrome; Hereditary breast and ovarian cancer; Breast and ovarian cancer; Hereditary breast and ovarian cancer syndrome (HBOC). Identifiers: Orphanet 145, MedGen C0677776, MeSH D061325, MONDO:0003582. Disease mechanism: loss of function.

Allele frequency attached by ClinVar (database versions not stated): gnomAD exomes below 0.00001.
gnomAD v4.1: 1 of 1,614,032 alleles (0.000062%); highest among the groups gnomAD compares: Admixed American, 0.0017%; no homozygotes.

Submissions (3):

Labcorp Genetics (formerly Invitae), Labcorp
Classification: Uncertain significance for Hereditary breast ovarian cancer syndrome. Last evaluated: 2023-12-19. Review status: criteria provided, single submitter. Criteria: Invitae Variant Classification Sherloc (09022015). Collection method: clinical testing. Allele origin: germline.
Comment: This sequence change replaces asparagine, which is neutral and polar, with lysine, which is basic and polar, at codon 719 of the BRCA2 protein (p.Asn719Lys). This variant is not present in population databases (gnomAD no frequency). This variant has not been reported in the literature in individuals affected with BRCA2-related conditions. ClinVar contains an entry for this variant (Variation ID: 425547). Advanced modeling of protein sequence and biophysical properties (such as structural, functional, and spatial information, amino acid conservation, physicochemical variation, residue mobility, and thermodynamic stability) performed at Invitae indicates that this missense variant is not expected to disrupt BRCA2 protein function with a negative predictive value of 95%. In summary, the available evidence is currently insufficient to determine the role of this variant in disease. Therefore, it has been classified as a Variant of Uncertain Significance.

University of Washington Department of Laboratory Medicine, University of Washington
Classification: Likely benign for Hereditary cancer-predisposing syndrome. Last evaluated: 2023-03-23. Review status: criteria provided, single submitter. Criteria: Dines et al. (Genet Med. 2020). Collection method: curation. Allele origin: germline.
Comment: Missense variant in a coldspot region where missense variants are very unlikely to be pathogenic (PMID:31911673).

BRCA2 exon 11 coldspot. Reclassification based on statistical prior probability.

Fulgent Genetics
Classification: Uncertain significance for Breast-ovarian cancer, familial, susceptibility to, 2. Last evaluated: 2015-08-07. Review status: criteria provided, single submitter. Criteria: ACMG Guidelines, 2015. Collection method: clinical testing. Allele origin: unknown.

NM_000059.4(BRCA2):c.2157T>A (p.Asn719Lys)

Gene: BRCA2 (BRCA2 DNA repair associated; plus strand). Cytogenetic location: 13q13.1.
Variant type: single nucleotide variant.
Coding change: c.2157T>A on transcript NM_000059.4 (MANE Select); coding-DNA position 2157, T replaced by A.
Protein change: p.Asn719Lys; replaces asparagine 719 with lysine.
Molecular consequence: missense variant.
Genome position (GRCh38, 1-based): chr13:32,336,512, T>A. VCF-style: chr13-32336512-T-A. GRCh37 (hg19) VCF-style: chr13-32910649-T-A.
Other names: short protein forms N719K.
Identifiers: ClinVar variation 425547 (VCV000425547.8), dbSNP rs1064797382, ClinGen allele CA16621907.
Genomic context (GRCh38, chr13:32,336,512, plus strand): 5'-GTTATTTATTACCCCAGAAGCTGATTCTCTGTCATGCCTGCAGGAAGGACAGTGTGAAAA[T>A]GATCCAAAAAGCAAAAAAGTTTCAGATATAAAAGAAGAGGTCTTGGCTGCAGCATGTCAC-3'
Protein context (NP_000050.3, residues 709-729): LSCLQEGQCE[Asn719Lys]DPKSKKVSDI